The following is an entry in ClinVar:

ClinVar aggregate classification (germline): Uncertain significance (1 of 4 stars; one submission).

Conditions:
Dilated cardiomyopathy 1O (CMD1O). Also called: CARDIOMYOPATHY, DILATED, WITH VENTRICULAR TACHYCARDIA. Identifiers: Orphanet 154, MedGen C1837839, MONDO:0012062, OMIM 608569.

Submission:

Labcorp Genetics (formerly Invitae), Labcorp
Classification: Uncertain significance for Dilated cardiomyopathy 1O. Last evaluated: 2023-01-23. Review status: criteria provided, single submitter. Criteria: Invitae Variant Classification Sherloc (09022015). Collection method: clinical testing. Allele origin: germline.
Comment: In summary, the available evidence is currently insufficient to determine the role of this variant in disease. Therefore, it has been classified as a Variant of Uncertain Significance. Advanced modeling of protein sequence and biophysical properties (such as structural, functional, and spatial information, amino acid conservation, physicochemical variation, residue mobility, and thermodynamic stability) performed at Invitae indicates that this missense variant is not expected to disrupt ABCC9 protein function. This variant has not been reported in the literature in individuals affected with ABCC9-related conditions. This variant is not present in population databases (gnomAD no frequency). This sequence change replaces serine, which is neutral and polar, with proline, which is neutral and non-polar, at codon 680 of the ABCC9 protein (p.Ser680Pro).

NM_020297.4(ABCC9):c.2038T>C (p.Ser680Pro)

Gene: ABCC9 (ATP binding cassette subfamily C member 9; minus strand). Cytogenetic location: 12p12.1.
Variant type: single nucleotide variant.
Coding change: c.2038T>C on transcript NM_020297.4 (MANE Select); coding-DNA position 2038, T replaced by C.
Protein change: p.Ser680Pro; replaces serine 680 with proline.
Molecular consequence: missense variant.
Genome position (GRCh38, 1-based): chr12:21,875,708, A>G on the plus strand (T>C on the coding strand, the complement: ABCC9 is on the minus strand). VCF-style: chr12-21875708-A-G. GRCh37 (hg19) VCF-style: chr12-22028642-A-G.
Other names: c.2038T>C, p.Ser680Pro (NM_001377273.1, NM_005691.4); c.1174T>C, p.Ser392Pro (NM_001377274.1); short protein forms S680P, S392P.
Identifiers: ClinVar variation 2894423 (VCV002894423.3), dbSNP rs2541364145, ClinGen allele CA384134418.